The following is an entry in ClinVar:

ClinVar aggregate classification (germline): Uncertain significance (1 of 4 stars; one submission).

Submission:

Laboratorio de Genetica e Diagnostico Molecular, Hospital Israelita Albert Einstein
Classification: Uncertain significance. Last evaluated: 2021-06-21. Review status: criteria provided, single submitter. Criteria: ACMG Guidelines, 2015. Collection method: clinical testing. Allele origin: germline. Affected: yes.
Comment: ACMG classification criteria: PM2, BP4

NM_001378454.1(ALMS1):c.9394C>G (p.Leu3132Val)

Gene: ALMS1 (ALMS1 centrosome and basal body associated protein; plus strand). Cytogenetic location: 2p13.1.
Variant type: single nucleotide variant.
Coding change: c.9394C>G on transcript NM_001378454.1 (MANE Select); coding-DNA position 9394, C replaced by G.
Protein change: p.Leu3132Val; replaces leucine 3132 with valine.
Molecular consequence: missense variant.
Genome position (GRCh38, 1-based): chr2:73,491,353, C>G. VCF-style: chr2-73491353-C-G. GRCh37 (hg19) VCF-style: chr2-73718480-C-G.
Other names: c.9397C>G, p.Leu3133Val (NM_015120.4); short protein forms L3132V, L3133V.
Identifiers: ClinVar variation 1690405 (VCV001690405.2), dbSNP rs1672981911, ClinGen allele CA347274660.